The following is an entry in ClinVar:

NM_005591.4(MRE11):c.1531_1532del (p.Asn511fs)

Gene: MRE11 (MRE11 double strand break repair nuclease; minus strand). Cytogenetic location: 11q21.
Variant type: Deletion.
Coding change: c.1531_1532del on transcript NM_005591.4 (MANE Select); coding-DNA positions 1531 to 1532, 2 bases deleted (AA; older notation c.1531_1532delAA).
Protein change: p.Asn511fs; shifts the reading frame from asparagine 511.
Molecular consequence: frameshift variant.
Genome position (GRCh38, 1-based): chr11:94,456,307-94,456,308, TT deleted on the plus strand (AA on the coding strand, the reverse complement: MRE11 is on the minus strand); deleting any 2 consecutive bases within chr11:94,456,307-94,456,313 gives the same sequence; the c. name uses the placement nearest the transcript's 3' end. VCF-style (leftmost placement, unchanged base first): chr11-94456306-ATT-A. GRCh37 (hg19) VCF-style: chr11-94189472-ATT-A.
Other names: c.1531_1532del, p.Asn511fs (NM_001330347.2, NM_005590.4); short protein forms N511fs.
Identifiers: ClinVar variation 819468 (VCV000819468.5), dbSNP rs757691558, ClinGen allele CA915948778.

ClinVar aggregate classification (germline): Pathogenic/Likely pathogenic. Review status: criteria provided, multiple submitters, no conflicts (2 of 4 stars). 2 submissions from 2 submitters: Pathogenic (1); Likely pathogenic (1). Last evaluated 2023-03-27.

Conditions:
Hereditary breast ovarian cancer syndrome. Also called: Hereditary breast and/or ovarian cancer syndrome; BRCA1- and BRCA2-Associated Hereditary Breast and Ovarian Cancer; Hereditary breast and ovarian cancer syndrome; Hereditary breast and ovarian cancer; Hereditary breast and ovarian cancer syndrome (HBOC); Breast and ovarian cancer. Identifiers: Orphanet 145, MedGen C0677776, MeSH D061325, MONDO:0003582. Disease mechanism: loss of function.
Hereditary cancer-predisposing syndrome. Also called: Neoplastic Syndromes, Hereditary; Tumor predisposition; Hereditary Cancer Syndrome; Hereditary neoplastic syndrome. Identifiers: Orphanet 140162, MedGen C0027672, MeSH D009386, MONDO:0015356.

Submissions (2):

Cancer Genomics Group, Japanese Foundation For Cancer Research
Classification: Likely pathogenic for Hereditary breast ovarian cancer syndrome. Last evaluated: 2023-03-27. Review status: criteria provided, single submitter. Criteria: ACMG Guidelines, 2015. Collection method: research. Allele origin: germline. Affected: yes.

Ambry Genetics
Classification: Pathogenic for Hereditary cancer-predisposing syndrome. Last evaluated: 2019-11-22. Review status: criteria provided, single submitter. Criteria: Ambry Variant Classification Scheme 2023. Collection method: clinical testing. Allele origin: germline.
Comment: The c.1531_1532delAA pathogenic mutation, located in coding exon 13 of the MRE11A gene, results from a deletion of two nucleotides at nucleotide positions 1531 to 1532, causing a translational frameshift with a predicted alternate stop codon (p.N511Yfs*2). This alteration is expected to result in loss of function by premature protein truncation or nonsense-mediated mRNA decay. As such, this alteration is interpreted as a disease-causing mutation.